The following is an entry in ClinVar:

NM_018942.3(HMX1):c.691G>A (p.Ala231Thr)

Gene: HMX1 (H6 family homeobox 1; minus strand). Cytogenetic location: 4p16.1.
Variant type: single nucleotide variant.
Coding change: c.691G>A on transcript NM_018942.3 (MANE Select); coding-DNA position 691, G replaced by A.
Protein change: p.Ala231Thr; replaces alanine 231 with threonine.
Molecular consequence: missense variant. On other transcripts: intron variant (1).
Genome position (GRCh38, 1-based): chr4:8,868,049, C>T on the plus strand (G>A on the coding strand, the complement: HMX1 is on the minus strand). VCF-style: chr4-8868049-C-T. GRCh37 (hg19) VCF-style: chr4-8869775-C-T.
Other names: c.394+3172G>A (NM_001306142.2); short protein forms A231T.
Identifiers: ClinVar variation 1916065 (VCV001916065.5), dbSNP rs758088899, ClinGen allele CA2854283.

ClinVar aggregate classification (germline): Uncertain significance (1 of 4 stars; one submission).

Allele frequency attached by ClinVar (database versions not stated): gnomAD 0.00001; TOPMed 0.00001; gnomAD exomes 0.00002.
gnomAD v4.1: 33 of 1,539,650 alleles (0.0021%); highest among the groups gnomAD compares: East Asian, 0.076%; no homozygotes.

Submission:

Labcorp Genetics (formerly Invitae), Labcorp
Classification: Uncertain significance. Last evaluated: 2022-07-30. Review status: criteria provided, single submitter. Criteria: Invitae Variant Classification Sherloc (09022015). Collection method: clinical testing. Allele origin: germline.
Comment: This sequence change replaces alanine, which is neutral and non-polar, with threonine, which is neutral and polar, at codon 231 of the HMX1 protein (p.Ala231Thr). The frequency data for this variant in the population databases is considered unreliable, as metrics indicate poor data quality at this position in the gnomAD database. This variant has not been reported in the literature in individuals affected with HMX1-related conditions. Algorithms developed to predict the effect of missense changes on protein structure and function are either unavailable or do not agree on the potential impact of this missense change (SIFT: "Tolerated"; PolyPhen-2: "Probably Damaging"; Align-GVGD: "Class C0"). In summary, the available evidence is currently insufficient to determine the role of this variant in disease. Therefore, it has been classified as a Variant of Uncertain Significance.